The following is an entry in ClinVar:

NM_015214.3(DDHD2):c.566G>T (p.Gly189Val)

Gene: DDHD2 (DDHD domain containing 2; plus strand). Cytogenetic location: 8p11.23.
Variant type: single nucleotide variant.
Coding change: c.566G>T on transcript NM_015214.3 (MANE Select); coding-DNA position 566, G replaced by T.
Protein change: p.Gly189Val; replaces glycine 189 with valine.
Molecular consequence: missense variant. On other transcripts: non-coding transcript variant (2).
Genome position (GRCh38, 1-based): chr8:38,238,153, G>T. VCF-style: chr8-38238153-G-T. GRCh37 (hg19) VCF-style: chr8-38095671-G-T.
Other names: c.566G>T, p.Gly189Val (NM_001164232.2, NM_001164234.2, NM_001362911.2 and 3 more transcripts); short protein forms G189V.
Identifiers: ClinVar variation 1351336 (VCV001351336.6), dbSNP rs776830636, ClinGen allele CA4716015.

ClinVar aggregate classification (germline): Uncertain significance (1 of 4 stars; one submission).

Conditions:
Hereditary spastic paraplegia 54. Also called: Spastic paraplegia 54, autosomal recessive. Identifiers: Orphanet 320380, MedGen C3539495, MONDO:0014018, OMIM 615033.

Allele frequency attached by ClinVar (database versions not stated): gnomAD exomes below 0.00001 and 0.00002; ExAC 0.00002; gnomAD 0.00006 and 0.00007; TOPMed 0.00006.

Submission:

Labcorp Genetics (formerly Invitae), Labcorp
Classification: Uncertain significance for Hereditary spastic paraplegia 54. Last evaluated: 2024-12-09. Review status: criteria provided, single submitter. Criteria: Invitae Variant Classification Sherloc (09022015). Collection method: clinical testing. Allele origin: germline.
Comment: This sequence change replaces glycine, which is neutral and non-polar, with valine, which is neutral and non-polar, at codon 189 of the DDHD2 protein (p.Gly189Val). This variant is present in population databases (rs776830636, gnomAD 0.02%). This variant has not been reported in the literature in individuals affected with DDHD2-related conditions. ClinVar contains an entry for this variant (Variation ID: 1351336). Invitae Evidence Modeling of protein sequence and biophysical properties (such as structural, functional, and spatial information, amino acid conservation, physicochemical variation, residue mobility, and thermodynamic stability) indicates that this missense variant is not expected to disrupt DDHD2 protein function with a negative predictive value of 80%. In summary, the available evidence is currently insufficient to determine the role of this variant in disease. Therefore, it has been classified as a Variant of Uncertain Significance.